The following is an entry in ClinVar:

ClinVar aggregate classification (germline): Uncertain significance. Review status: criteria provided, multiple submitters, no conflicts (2 of 4 stars). 3 submissions from 3 submitters: Uncertain significance (3). Last evaluated 2025-11-08.

Allele frequency attached by ClinVar (database versions not stated): gnomAD exomes below 0.00001; TOPMed below 0.00001; gnomAD 0.00001.
gnomAD v4.1: 5 of 1,613,316 alleles (0.00031%); highest among the groups gnomAD compares: Middle Eastern, 0.016%; no homozygotes.

Submissions (3):

Ambry Genetics
Classification: Uncertain significance. Last evaluated: 2025-11-08. Review status: criteria provided, single submitter. Criteria: Ambry Variant Classification Scheme 2023. Collection method: clinical testing. Allele origin: germline.

Blueprint Genetics
Classification: Uncertain significance. Last evaluated: 2024-09-06. Review status: criteria provided, single submitter. Criteria: ACMG Guidelines, 2015. Collection method: clinical testing. Allele origin: germline.

Labcorp Genetics (formerly Invitae), Labcorp
Classification: Uncertain significance. Last evaluated: 2023-10-03. Review status: criteria provided, single submitter. Criteria: Invitae Variant Classification Sherloc (09022015). Collection method: clinical testing. Allele origin: germline.
Comment: This sequence change replaces serine, which is neutral and polar, with alanine, which is neutral and non-polar, at codon 326 of the KIZ protein (p.Ser326Ala). This variant is not present in population databases (gnomAD no frequency). This variant has not been reported in the literature in individuals affected with KIZ-related conditions. ClinVar contains an entry for this variant (Variation ID: 957074). Experimental studies and prediction algorithms are not available or were not evaluated, and the functional significance of this variant is currently unknown. In summary, the available evidence is currently insufficient to determine the role of this variant in disease. Therefore, it has been classified as a Variant of Uncertain Significance.

NM_018474.6(KIZ):c.976T>G (p.Ser326Ala)

Gene: KIZ (kizuna centrosomal protein; plus strand). Cytogenetic location: 20p11.23.
Variant type: single nucleotide variant.
Coding change: c.976T>G on transcript NM_018474.6 (MANE Select); coding-DNA position 976, T replaced by G.
Protein change: p.Ser326Ala; replaces serine 326 with alanine.
Molecular consequence: missense variant.
Genome position (GRCh38, 1-based): chr20:21,162,441, T>G. VCF-style: chr20-21162441-T-G. GRCh37 (hg19) VCF-style: chr20-21143082-T-G.
Other names: c.667T>G, p.Ser223Ala (NM_001163022.3, NM_001352435.2); c.577T>G, p.Ser193Ala (NM_001163023.3); c.829T>G, p.Ser277Ala (NM_001276389.2); c.976T>G, p.Ser326Ala (NM_001352434.2); c.634T>G, p.Ser212Ala (NM_001352436.2); short protein forms S212A, S277A, S223A, S193A, S326A.
Identifiers: ClinVar variation 957074 (VCV000957074.11), dbSNP rs2033720562, ClinGen allele CA408493128.